The following is an entry in ClinVar:

NM_017934.7(PHIP):c.2541C>A (p.Asp847Glu)

Gene: PHIP (PHIP subunit of CUL4-Ring ligase complex; minus strand). Cytogenetic location: 6q14.1.
Variant type: single nucleotide variant.
Coding change: c.2541C>A on transcript NM_017934.7 (MANE Select); coding-DNA position 2541, C replaced by A.
Protein change: p.Asp847Glu; replaces aspartic acid 847 with glutamic acid.
Molecular consequence: missense variant.
Genome position (GRCh38, 1-based): chr6:78,983,114, G>T on the plus strand (C>A on the coding strand, the complement: PHIP is on the minus strand). VCF-style: chr6-78983114-G-T. GRCh37 (hg19) VCF-style: chr6-79692831-G-T.
Other names: short protein forms D847E.
Identifiers: ClinVar variation 3349252 (VCV003349252.1).

ClinVar aggregate classification (germline): Uncertain significance (0 of 4 stars; one submission).

Conditions:
PHIP-related disorder. Also called: PHIP-related condition; PHIP-related disorders.

Submission:

PreventionGenetics, part of Exact Sciences
Classification: Uncertain significance for PHIP-related condition. Last evaluated: 2024-05-24. Review status: no assertion criteria provided. Collection method: clinical testing. Allele origin: germline.
Comment: The PHIP c.2541C>A variant is predicted to result in the amino acid substitution p.Asp847Glu. To our knowledge, this variant has not been reported in the literature or in a large population database, indicating this variant is rare. At this time, the clinical significance of this variant is uncertain due to the absence of conclusive functional and genetic evidence.